The following is an entry in ClinVar:

ClinVar aggregate classification (germline): Likely pathogenic (1 of 4 stars; one submission).

Conditions:
Primary dilated cardiomyopathy (DCM). Also called: Dilated Cardiomyopathy. Identifiers: Orphanet 217604, MedGen C0007193, MeSH D002311, MONDO:0005021, HP:0001644. Inheritance: Various modes of inheritance.

Submission:

Clinical Genetics Laboratory, Skane University Hospital Lund
Classification: Likely pathogenic for Primary dilated cardiomyopathy. Last evaluated: 2025-12-05. Review status: criteria provided, single submitter. Criteria: ACMG Guidelines, 2015. Collection method: clinical testing. Allele origin: germline. Affected: yes.
Comment: ACMG criteria applied: PVS1_moderate, PM1, PM2.

NM_001267550.2(TTN):c.89197+2_89197+3insTT

Genes: TTN (titin; minus strand), TTN-AS1 (TTN antisense RNA 1; plus strand). Cytogenetic location: 2q31.2.
Variant type: Insertion.
Coding change: c.89197+2_89197+3insTT on transcript NM_001267550.2 (MANE Select); the canonical splice donor site of the intron after coding-DNA position 89197 through 3 bases into the intron after coding-DNA position 89197, TT inserted.
Molecular consequence: splice donor variant.
Genome position: GRCh38 VCF-style: chr2-178553911-T-TAA. GRCh37 (hg19) VCF-style: chr2-179418638-T-TAA.
Other names: c.62002+2_62002+3insTT (NM_003319.4); c.62578+2_62578+3insTT (NM_133437.4); c.62377+2_62377+3insTT (NM_133432.3); c.81493+2_81493+3insTT (NM_133378.4); c.84274+2_84274+3insTT (NM_001256850.1).
Identifiers: ClinVar variation 4533254 (VCV004533254.1).